The following is an entry in ClinVar:

ClinVar aggregate classification (germline): Uncertain significance. Review status: criteria provided, multiple submitters, no conflicts (2 of 4 stars). 2 submissions from 2 submitters: Uncertain significance (2). Last evaluated 2024-03-20.

Conditions:
Cardiovascular phenotype. Identifiers: MedGen CN230736.
Hypertrophic cardiomyopathy. Also called: HYPERTROPHIC MYOCARDIOPATHY. Identifiers: Orphanet 217569, MedGen C0007194, MeSH D002312, MONDO:0005045, HP:0001639.

Submissions (2):

Ambry Genetics
Classification: Uncertain significance for Cardiovascular phenotype. Last evaluated: 2024-03-20. Review status: criteria provided, single submitter. Criteria: Ambry Variant Classification Scheme 2023. Collection method: clinical testing. Allele origin: germline.
Comment: The c.2967_2968delTGinsCA variant (also known as p.A990T), located in coding exon 22 of the MYH7 gene, results from an in-frame deletion of TG and insertion of CA at nucleotide positions 2967 to 2968. This results in the substitution of the alanine residue for a threonine residue at codon 990, an amino acid with similar properties. A single nucleotide variant resulting in the same amino acid change has been detected in an individual from a pediatric dilated cardiomyopathy cohort; however, variants in other cardiac-related genes were also detected (Burstein DS et al. Pediatr Res, 2021 May;89:1470-1476). This amino acid position is not well conserved in available vertebrate species. In addition, this alteration is predicted to be neutral by in silico analysis (Choi Y et al. PLoS ONE. 2012; 7(10):e46688). Based on the available evidence, the clinical significance of this alteration remains unclear.

Labcorp Genetics (formerly Invitae), Labcorp
Classification: Uncertain significance for Hypertrophic cardiomyopathy. Last evaluated: 2021-09-01. Review status: criteria provided, single submitter. Criteria: Invitae Variant Classification Sherloc (09022015). Collection method: clinical testing. Allele origin: germline.

Literature cited by the submitters: PubMed 32746448 (cited by Ambry Genetics).

NM_000257.4(MYH7):c.2967_2968inv (p.Ala990Thr)

Gene: MYH7 (myosin heavy chain 7; minus strand). Cytogenetic location: 14q11.2.
Variant type: Inversion.
Coding change: c.2967_2968inv on transcript NM_000257.4 (MANE Select).
Protein change: p.Ala990Thr; replaces alanine 990 with threonine.
Molecular consequence: missense variant.
Genome position: GRCh38 VCF-style: chr14-23423678-CA-TG. GRCh37 (hg19) VCF-style: chr14-23892887-CA-TG.
Other names: c.2967_2968delTGinsCA (NM_000257.4); short protein forms A990T.
Identifiers: ClinVar variation 665805 (VCV000665805.5), ClinGen allele CA915946996.
Genomic context (GRCh38, chr14:23,423,678, plus strand): 5'-GGTCATCCAGAGCCTGTTGGTGGGCCTCTTGCAGAGCTTTCTTCTCCTTGGTCAGCTTGG[CA>TG]ATGATCTCATCCAGCCCAGCCATCTCCTCTGTCAGGTTTTTCACCTGCCGACCAAGAATC-3'
Protein context (NP_000248.2, residues 980-1000): EEMAGLDEII[Ala990Thr]KLTKEKKALQ